The following is an entry in ClinVar:

ClinVar aggregate classification (germline): Uncertain significance (1 of 4 stars; one submission).

Submission:

Labcorp Genetics (formerly Invitae), Labcorp
Classification: Uncertain significance. Last evaluated: 2024-07-24. Review status: criteria provided, single submitter. Criteria: Invitae Variant Classification Sherloc (09022015). Collection method: clinical testing. Allele origin: germline.
Comment: This sequence change replaces proline, which is neutral and non-polar, with leucine, which is neutral and non-polar, at codon 659 of the DRP2 protein (p.Pro659Leu). This variant is not present in population databases (gnomAD no frequency). This variant has not been reported in the literature in individuals affected with DRP2-related conditions. An algorithm developed to predict the effect of missense changes on protein structure and function (PolyPhen-2) suggests that this variant is likely to be disruptive. In summary, the available evidence is currently insufficient to determine the role of this variant in disease. Therefore, it has been classified as a Variant of Uncertain Significance.

NM_001939.3(DRP2):c.1976C>T (p.Pro659Leu)

Gene: DRP2 (dystrophin related protein 2; plus strand). Cytogenetic location: Xq22.1.
Variant type: single nucleotide variant.
Coding change: c.1976C>T on transcript NM_001939.3 (MANE Select); coding-DNA position 1976, C replaced by T.
Protein change: p.Pro659Leu; replaces proline 659 with leucine.
Molecular consequence: missense variant.
Genome position (GRCh38, 1-based): chrX:101,252,715, C>T. VCF-style: chrX-101252715-C-T. GRCh37 (hg19) VCF-style: chrX-100507704-C-T.
Other names: c.1742C>T, p.Pro581Leu (NM_001171184.2); short protein forms P581L, P659L.
Identifiers: ClinVar variation 3676896 (VCV003676896.2).